The following is an entry in ClinVar:

ClinVar aggregate classification (germline): Uncertain significance (1 of 4 stars; one submission).

Conditions:
Gastrointestinal stromal tumor. Also called: Gastrointestinal stromal tumor, somatic; Gastrointestinal stroma tumor. Identifiers: Orphanet 44890, MedGen C0238198, MeSH D046152, MONDO:0011719, OMIM 606764, HP:0100723.

Submission:

Labcorp Genetics (formerly Invitae), Labcorp
Classification: Uncertain significance for Gastrointestinal stromal tumor. Last evaluated: 2024-04-15. Review status: criteria provided, single submitter. Criteria: Invitae Variant Classification Sherloc (09022015). Collection method: clinical testing. Allele origin: germline.
Comment: This sequence change replaces glutamic acid, which is acidic and polar, with lysine, which is basic and polar, at codon 749 of the KIT protein (p.Glu749Lys). This variant is not present in population databases (gnomAD no frequency). This variant has not been reported in the literature in individuals affected with KIT-related conditions. ClinVar contains an entry for this variant (Variation ID: 577902). An algorithm developed to predict the effect of missense changes on protein structure and function (PolyPhen-2) suggests that this variant is likely to be disruptive. In summary, the available evidence is currently insufficient to determine the role of this variant in disease. Therefore, it has been classified as a Variant of Uncertain Significance.

NM_000222.3(KIT):c.2245G>A (p.Glu749Lys)

Gene: KIT (KIT proto-oncogene, receptor tyrosine kinase; plus strand). Cytogenetic location: 4q12.
Variant type: single nucleotide variant.
Coding change: c.2245G>A on transcript NM_000222.3 (MANE Select); coding-DNA position 2245, G replaced by A.
Protein change: p.Glu749Lys; replaces glutamic acid 749 with lysine.
Molecular consequence: missense variant.
Genome position (GRCh38, 1-based): chr4:54,731,882, G>A. VCF-style: chr4-54731882-G-A. GRCh37 (hg19) VCF-style: chr4-55598048-G-A.
Other names: c.2233G>A, p.Glu745Lys (NM_001093772.2, NM_001385292.1); c.2248G>A, p.Glu750Lys (NM_001385284.1); c.2242G>A, p.Glu748Lys (NM_001385285.1); c.2230G>A, p.Glu744Lys (NM_001385286.1); c.2236G>A, p.Glu746Lys (NM_001385288.1); c.2245G>A, p.Glu749Lys (NM_001385290.1); short protein forms E749K, E745K, E744K, E746K, E748K, E750K.
Identifiers: ClinVar variation 577902 (VCV000577902.9), dbSNP rs1560421189, ClinGen allele CA356910839.